The following is an entry in ClinVar:

ClinVar aggregate classification (germline): Likely pathogenic (1 of 4 stars; one submission).

Conditions:
Maple syrup urine disease (MSUD). Identifiers: Orphanet 511, MedGen C0024776, MeSH D008375, MONDO:0009563. Disease mechanism: loss of function.

Submission:

Labcorp Genetics (formerly Invitae), Labcorp
Classification: Likely pathogenic for Maple syrup urine disease. Last evaluated: 2023-10-15. Review status: criteria provided, single submitter. Criteria: Invitae Variant Classification Sherloc (09022015). Collection method: clinical testing. Allele origin: germline.
Comment: This sequence change replaces glycine, which is neutral and non-polar, with valine, which is neutral and non-polar, at codon 249 of the BCKDHA protein (p.Gly249Val). This variant is not present in population databases (gnomAD no frequency). This variant has not been reported in the literature in individuals affected with BCKDHA-related conditions. Advanced modeling of protein sequence and biophysical properties (such as structural, functional, and spatial information, amino acid conservation, physicochemical variation, residue mobility, and thermodynamic stability) performed at Invitae indicates that this missense variant is expected to disrupt BCKDHA protein function. This variant disrupts the p.Gly249 amino acid residue in BCKDHA. Other variant(s) that disrupt this residue have been determined to be pathogenic (PMID: 9582350, 20431954). This suggests that this residue is clinically significant, and that variants that disrupt this residue are likely to be disease-causing. In summary, the currently available evidence indicates that the variant is pathogenic, but additional data are needed to prove that conclusively. Therefore, this variant has been classified as Likely Pathogenic.

Literature cited by the submitters: PubMed 9582350; PubMed 20431954.

NM_000709.4(BCKDHA):c.746G>T (p.Gly249Val)

Gene: BCKDHA (branched chain keto acid dehydrogenase E1 subunit alpha; plus strand). Cytogenetic location: 19q13.2.
Variant type: single nucleotide variant.
Coding change: c.746G>T on transcript NM_000709.4 (MANE Select); coding-DNA position 746, G replaced by T.
Protein change: p.Gly249Val; replaces glycine 249 with valine.
Molecular consequence: missense variant.
Genome position (GRCh38, 1-based): chr19:41,422,263, G>T. VCF-style: chr19-41422263-G-T. GRCh37 (hg19) VCF-style: chr19-41928168-G-T.
Other names: c.746G>T, p.Gly249Val (NM_001164783.2); short protein forms G249V.
Identifiers: ClinVar variation 2741565 (VCV002741565.3), dbSNP rs796051937, ClinGen allele CA406012861.